The following is an entry in ClinVar:

NM_005159.5(ACTC1):c.695C>G (p.Ala232Gly)

Genes: ACTC1 (actin alpha cardiac muscle 1; minus strand), GJD2-DT (GJD2 divergent transcript; plus strand). Cytogenetic location: 15q14.
Variant type: single nucleotide variant.
Coding change: c.695C>G on transcript NM_005159.5 (MANE Select); coding-DNA position 695, C replaced by G.
Protein change: p.Ala232Gly; replaces alanine 232 with glycine.
Molecular consequence: missense variant.
Genome position (GRCh38, 1-based): chr15:34,792,203, G>C on the plus strand (C>G on the coding strand, the complement: ACTC1 is on the minus strand). VCF-style: chr15-34792203-G-C. GRCh37 (hg19) VCF-style: chr15-35084404-G-C.
Other names: short protein forms A232G.
Identifiers: ClinVar variation 1526062 (VCV001526062.2), dbSNP rs730880396, ClinGen allele CA391630514.

ClinVar aggregate classification (germline): Uncertain significance. Review status: criteria provided, multiple submitters, no conflicts (2 of 4 stars). 2 submissions from 2 submitters: Uncertain significance (2). Last evaluated 2023-04-21.

Conditions:
Hypertrophic cardiomyopathy 11. Also called: ACTC1-Related Familial Hypertrophic Cardiomyopathy. Identifiers: MedGen C2677506, MONDO:0012799, OMIM 612098.

Submissions (2):

Blueprint Genetics
Classification: Uncertain significance. Last evaluated: 2023-04-21. Review status: criteria provided, single submitter. Criteria: ACMG Guidelines, 2015. Collection method: clinical testing. Allele origin: germline.

3billion
Classification: Uncertain significance for Hypertrophic cardiomyopathy 11. Last evaluated: 2022-03-22. Review status: criteria provided, single submitter. Criteria: ACMG Guidelines, 2015. Collection method: clinical testing. Allele origin: germline. Affected: yes. Observed: 1 heterozygote.
Comment: Different pathogenic/likely pathogenic amino acid change has been reported with supporting evidence at the same codon (PMID:12860912,30762279). In silico tool predictions suggest damaging effect of the variant on gene or gene product (REVEL: 0.828>=0.6, 3CNET: 0.956>=0.75). A missense variant is a common mechanism . It is not observed in the gnomAD v2.1.1 dataset. Therefore, this variant is classified as uncertain significance according to the recommendation of ACMG/AMP guideline.

Literature cited by the submitters: PubMed 12860912 (cited by 3billion); PubMed 30762279 (cited by 3billion).